The following is an entry in ClinVar:

NM_000260.4(MYO7A):c.3139C>T (p.Arg1047Cys)

Gene: MYO7A (myosin VIIA; plus strand). Cytogenetic location: 11q13.5.
Variant type: single nucleotide variant.
Coding change: c.3139C>T on transcript NM_000260.4 (MANE Select); coding-DNA position 3139, C replaced by T.
Protein change: p.Arg1047Cys; replaces arginine 1047 with cysteine.
Molecular consequence: missense variant.
Genome position (GRCh38, 1-based): chr11:77,182,454, C>T. VCF-style: chr11-77182454-C-T. GRCh37 (hg19) VCF-style: chr11-76893499-C-T.
Other names: c.3139C>T, p.Arg1047Cys (NM_001127180.2); c.3106C>T, p.Arg1036Cys (NM_001369365.1); short protein forms R1047C, R1036C.
Identifiers: ClinVar variation 2141996 (VCV002141996.2), dbSNP rs782095541, ClinGen allele CA6197998.
Genomic context (GRCh38, chr11:77,182,454, plus strand): 5'-CTGGCCTCTGACATGCGCGCTCTGCCCCAGGCAGCCCTGGCGGTCTGGATCACCATCCTC[C>T]GCTTCATGGGGGACCTCCCTGAGCCCAAGTACCACACAGCCATGAGTGATGGCAGTGAGA-3'
Protein context (NP_000251.3, residues 1037-1057): AALAVWITIL[Arg1047Cys]FMGDLPEPKY

ClinVar aggregate classification (germline): Uncertain significance. Review status: criteria provided, multiple submitters, no conflicts (2 of 4 stars). 2 submissions from 2 submitters: Uncertain significance (2). Last evaluated 2022-04-12.

Allele frequency attached by ClinVar (database versions not stated): TOPMed below 0.00001; gnomAD exomes 0.00001; ExAC 0.00003.
gnomAD v4.1: 11 of 1,608,974 alleles (0.00068%); highest among the groups gnomAD compares: East Asian, 0.0022%; no homozygotes.

Submissions (2):

Labcorp Genetics (formerly Invitae), Labcorp
Classification: Uncertain significance. Last evaluated: 2022-04-12. Review status: criteria provided, single submitter. Criteria: Invitae Variant Classification Sherloc (09022015). Collection method: clinical testing. Allele origin: germline.
Comment: This sequence change replaces arginine, which is basic and polar, with cysteine, which is neutral and slightly polar, at codon 1047 of the MYO7A protein (p.Arg1047Cys). This variant is present in population databases (rs782095541, gnomAD 0.006%). This variant has not been reported in the literature in individuals affected with MYO7A-related conditions. Advanced modeling of protein sequence and biophysical properties (such as structural, functional, and spatial information, amino acid conservation, physicochemical variation, residue mobility, and thermodynamic stability) performed at Invitae indicates that this missense variant is expected to disrupt MYO7A protein function. In summary, the available evidence is currently insufficient to determine the role of this variant in disease. Therefore, it has been classified as a Variant of Uncertain Significance.

Blueprint Genetics
Classification: Uncertain significance. Last evaluated: 2022-03-11. Review status: criteria provided, single submitter. Criteria: ACMG Guidelines, 2015. Collection method: clinical testing. Allele origin: germline.